The following is an entry in ClinVar:

NM_148897.3(SDR9C7):c.364dup (p.Thr122fs)

Gene: SDR9C7 (short chain dehydrogenase/reductase family 9C member 7; minus strand). Cytogenetic location: 12q13.3.
Variant type: Duplication.
Coding change: c.364dup on transcript NM_148897.3 (MANE Select); coding-DNA position 364, one base duplicated (A; older notation c.364dupA).
Protein change: p.Thr122fs; shifts the reading frame from threonine 122.
Molecular consequence: frameshift variant.
Genome position (GRCh38, 1-based): chr12:56,930,422, T duplicated on the plus strand (A on the coding strand, the reverse complement: SDR9C7 is on the minus strand). VCF-style (leftmost placement, unchanged base first): chr12-56930421-G-GT. GRCh37 (hg19) VCF-style: chr12-57324205-G-GT.
Other names: c.364dupA (NM_148897.3); short protein forms T122fs.
Identifiers: ClinVar variation 520397 (VCV000520397.5), dbSNP rs760309815, ClinGen allele CA6638176.

ClinVar aggregate classification (germline): Pathogenic. Review status: criteria provided, multiple submitters, no conflicts (2 of 4 stars). 3 submissions from 3 submitters: Pathogenic (2). 1 of the submissions does not count toward it. Last evaluated 2024-10-18.

Conditions:
Ichthyosis, congenital, autosomal recessive 13. Identifiers: MedGen C4539772, MONDO:0033092, OMIM 617574.
Lamellar ichthyosis. Identifiers: Orphanet 313, MedGen C5848247, MONDO:0017778.

Allele frequency attached by ClinVar (database versions not stated): gnomAD below 0.00001 and 0.00001; TOPMed below 0.00001; gnomAD exomes 0.00002 and 0.00004; ExAC 0.00003.

Submissions (3):

Women's Health and Genetics/Laboratory Corporation of America, LabCorp
Classification: Pathogenic for Lamellar ichthyosis. Last evaluated: 2024-10-18. Review status: criteria provided, single submitter. Criteria: LabCorp Variant Classification Summary - May 2015. Collection method: clinical testing. Allele origin: germline.
Comment: Variant summary: SDR9C7 c.364dupA (p.Thr122AsnfsX4) results in a premature termination codon, predicted to cause a truncation of the encoded protein or absence of the protein due to nonsense mediated decay, which are commonly known mechanisms for disease. The variant allele was found at a frequency of 4e-05 in 251154 control chromosomes (gnomAD). This frequency is not significantly higher than estimated for a pathogenic variant in SDR9C7 causing Lamellar Ichthyosis (4e-05 vs 0.00025), allowing no conclusion about variant significance. c.364dupA has been reported in the literature in multiple individuals affected with Lamellar Ichthyosis (e.g. Karim_2017). These data indicate that the variant is very likely to be associated with disease. To our knowledge, no experimental evidence demonstrating an impact on protein function has been reported. The following publication has been ascertained in the context of this evaluation (PMID: 28369735). ClinVar contains an entry for this variant (Variation ID: 520397). Based on the evidence outlined above, the variant was classified as pathogenic.

GeneDx
Classification: Pathogenic. Last evaluated: 2023-03-01. Review status: criteria provided, single submitter. Criteria: GeneDx Variant Classification Process June 2021. Collection method: clinical testing. Allele origin: germline. Affected: yes.
Comment: Frameshift variant predicted to result in protein truncation or nonsense mediated decay in a gene for which loss of function is a known mechanism of disease; This variant is associated with the following publications: (PMID: 28369735)

OMIM
Classification: Pathogenic for ICHTHYOSIS, CONGENITAL, AUTOSOMAL RECESSIVE 13. Last evaluated: 2018-04-12. Review status: no assertion criteria provided. Collection method: literature only. Allele origin: germline. Not counted in ClinVar's aggregate classification.

Literature cited by the submitters: PubMed 28369735 (cited by Women's Health and Genetics/Laboratory Corporation of America, LabCorp and OMIM).